The following is an entry in ClinVar:

NM_006267.5(RANBP2):c.3125G>A (p.Gly1042Asp)

Gene: RANBP2 (RAN binding protein 2; plus strand). Cytogenetic location: 2q13.
Variant type: single nucleotide variant.
Coding change: c.3125G>A on transcript NM_006267.5 (MANE Select); coding-DNA position 3125, G replaced by A.
Protein change: p.Gly1042Asp; replaces glycine 1042 with aspartic acid.
Molecular consequence: missense variant.
Genome position (GRCh38, 1-based): chr2:108,763,664, G>A. VCF-style: chr2-108763664-G-A. GRCh37 (hg19) VCF-style: chr2-109380120-G-A.
Other names: short protein forms G1042D.
Identifiers: ClinVar variation 429792 (VCV000429792.2), dbSNP rs1131691596, ClinGen allele CA348060765.

ClinVar aggregate classification (germline): Likely pathogenic (1 of 4 stars; one submission).

Submission:

GeneDx
Classification: Likely pathogenic. Last evaluated: 2015-10-31. Review status: criteria provided, single submitter. Criteria: GeneDx Variant Classification (06012015). Collection method: clinical testing. Allele origin: germline. Affected: yes.
Comment: The G1042D variant in the RANBP2 gene has not been reported previously as a pathogenic variant, nor as a benign variant, to our knowledge. The G1042D variant was not observed in approximately 6,500 individuals of European and African American ancestry in the NHLBI Exome Sequencing Project, indicating it is not a common benign variant in these populations. The G1042D variant is a non-conservative amino acid substitution, which is likely to impact secondary protein structure as these residues differ in polarity, charge, size and/or other properties. This substitution occurs at a position that is conserved across species. In silico analysis is inconsistent in its predictions as to whether or not the variant is damaging to the protein structure/function. The G1042D variant is a strong candidate for a pathogenic variant however the possibility it may be a rare benign variant cannot be excluded.